The following is an entry in ClinVar:

NM_003072.5(SMARCA4):c.1943+10G>C

Gene: SMARCA4 (SWI/SNF related BAF chromatin remodeling complex subunit ATPase 4; plus strand). Cytogenetic location: 19p13.2.
Variant type: single nucleotide variant.
Coding change: c.1943+10G>C on transcript NM_003072.5 (MANE Select); 10 bases into the intron after coding-DNA position 1943, G replaced by C.
Molecular consequence: intron variant.
Genome position (GRCh38, 1-based): chr19:11,003,169, G>C. VCF-style: chr19-11003169-G-C. GRCh37 (hg19) VCF-style: chr19-11113845-G-C.
Other names: c.1943+10G>C (NM_001128844.3, NM_001128849.3, NM_001128847.4 and 4 more transcripts).
Identifiers: ClinVar variation 729574 (VCV000729574.9), dbSNP rs1485568989, ClinGen allele CA783222699.
Genomic context (GRCh38, chr19:11,003,169, plus strand): 5'-AGATGCCCCCAAAGCCGGGCAGCTGGAGGCCTGGCTCGAGATGAACCCGGGGTGAGTTGG[G>C]CCTTGCATTCCAGATGCAGTGGGGATCCAAGTCCTCGGTGGGCCTTGTTCCAGGGAGGTG-3'

ClinVar aggregate classification (germline): Likely benign. Review status: criteria provided, multiple submitters, no conflicts (2 of 4 stars). 2 submissions from 2 submitters: Likely benign (2). Last evaluated 2026-07-07.

Conditions:
Rhabdoid tumor predisposition syndrome 2 (RTPS2). Identifiers: Orphanet 231108, Orphanet 69077, MedGen C2750074, MONDO:0013224, OMIM 613325.

Allele frequency attached by ClinVar (database versions not stated): TOPMed 0.00001.

Submissions (2):

Myriad Genetics, Inc.
Classification: Likely benign for Rhabdoid tumor predisposition syndrome 2. Last evaluated: 2026-07-07. Review status: criteria provided, single submitter. Criteria: Myriad Autosomal Dominant, Autosomal Recessive and X-Linked Classification Criteria (2023). Collection method: clinical testing. Allele origin: unknown.
Comment: This variant is considered likely benign. This variant is intronic and is not expected to impact mRNA splicing.

Labcorp Genetics (formerly Invitae), Labcorp
Classification: Likely benign for Rhabdoid tumor predisposition syndrome 2. Last evaluated: 2025-11-03. Review status: criteria provided, single submitter. Criteria: Invitae Variant Classification Sherloc (09022015). Collection method: clinical testing. Allele origin: germline.